The following is an entry in ClinVar:

ClinVar aggregate classification (germline): Uncertain significance (1 of 4 stars; one submission).

Submission:

Labcorp Genetics (formerly Invitae), Labcorp
Classification: Uncertain significance. Last evaluated: 2021-07-23. Review status: criteria provided, single submitter. Criteria: Invitae Variant Classification Sherloc (09022015). Collection method: clinical testing. Allele origin: germline.
Comment: This variant is not present in population databases (ExAC no frequency). In summary, the available evidence is currently insufficient to determine the role of this variant in disease. Therefore, it has been classified as a Variant of Uncertain Significance. Algorithms developed to predict the effect of missense changes on protein structure and function are either unavailable or do not agree on the potential impact of this missense change (SIFT: "Deleterious"; PolyPhen-2: "Probably Damaging"; Align-GVGD: "Class C0"). This variant has not been reported in the literature in individuals affected with PLEKHM2-related conditions. This sequence change replaces glycine with arginine at codon 569 of the PLEKHM2 protein (p.Gly569Arg). The glycine residue is highly conserved and there is a moderate physicochemical difference between glycine and arginine.

NM_015164.4(PLEKHM2):c.1705G>A (p.Gly569Arg)

Gene: PLEKHM2 (pleckstrin homology and RUN domain containing M2; plus strand). Cytogenetic location: 1p36.21.
Variant type: single nucleotide variant.
Coding change: c.1705G>A on transcript NM_015164.4 (MANE Select); coding-DNA position 1705, G replaced by A.
Protein change: p.Gly569Arg; replaces glycine 569 with arginine.
Molecular consequence: missense variant.
Genome position (GRCh38, 1-based): chr1:15,727,777, G>A. VCF-style: chr1-15727777-G-A. GRCh37 (hg19) VCF-style: chr1-16054272-G-A.
Other names: short protein forms G569R.
Identifiers: ClinVar variation 1471066 (VCV001471066.8), dbSNP rs2148373073, ClinGen allele CA338588337.
Genomic context (GRCh38, chr1:15,727,777, plus strand): 5'-GTTCTCTGCCAGCTCAAGCGAGACCAGCCCAGCCCGTGTCTGAGTAGCGCTGAGGATTCT[G>A]GGGTGGATGAGGGACAGGGGAGCCCTTCGGAGATGGTCCATTCCTCGGAGTTCAGGTAAC-3'
Protein context (NP_055979.2, residues 559-579): SPCLSSAEDS[Gly569Arg]VDEGQGSPSE